The following is an entry in ClinVar:

NM_021614.4(KCNN2):c.1779+3_1779+6dup

Genes: KCNN2 (potassium calcium-activated channel subfamily N member 2; plus strand), KCNN2-AS1 (KCNN2 antisense RNA 1; minus strand). Cytogenetic location: 5q22.3.
Variant type: Duplication.
Coding change: c.1779+3_1779+6dup on transcript NM_021614.4 (MANE Select); bases 3 to 6 of the intron after coding-DNA position 1779, 4 bases duplicated (AAGT; older notation c.1779+3_1779+6dupAAGT).
Molecular consequence: splice donor variant.
Genome position (GRCh38, 1-based): chr5:114,463,193-114,463,196, AAGT duplicated; duplicating any 4 consecutive bases within chr5:114,463,191-114,463,196 gives the same sequence; the c. name uses the placement nearest the transcript's 3' end. VCF-style (leftmost placement, unchanged base first): chr5-114463190-G-GGTAA. GRCh37 (hg19) VCF-style: chr5-113798887-G-GGTAA.
Other names: c.1977+3_1977+6dup (NM_001372233.1); c.99+3_99+6dup (NM_170775.3).
Identifiers: ClinVar variation 5039249 (VCV005039249.1).
Genomic context (GRCh38, chr5:114,463,190, plus strand): 5'-TGGTGACATGGTACCTAACACATACTGTGGAAAAGGAGTCTGCTTACTTACTGGAATTAT[G>GGTAA]GTAAGTGTCTTTATACTTCACATCTCTTTTATTTACGCTCAAGAAGGCACTTAAACCACT-3'

ClinVar aggregate classification (germline): Likely benign (1 of 4 stars; one submission).

Submission:

CeGaT Center for Human Genetics Tuebingen
Classification: Likely benign. Last evaluated: 2026-07-01. Review status: criteria provided, single submitter. Criteria: CeGaT Center For Human Genetics Tuebingen Variant Classification Criteria Version 2. Collection method: clinical testing. Allele origin: germline. Affected: yes. Observed: 1 variant allele.
Comment: KCNN2: BP4